The following is an entry in ClinVar:

ClinVar aggregate classification (germline): Likely benign. Review status: criteria provided, multiple submitters, no conflicts (2 of 4 stars). 3 submissions from 3 submitters: Likely benign (3). Last evaluated 2026-01-10.

Conditions:
Arrhythmogenic right ventricular cardiomyopathy (ARVD). Also called: Cardiomyopathy, ARVC; Arrhythmogenic right ventricular dysplasia; Arrhythmogenic cardiomyopathy; Arrhythmogenic Right Ventricular Cardiomyopathy (ARVC). Identifiers: Orphanet 247, MedGen C0349788, MeSH D019571, MONDO:0016587. Disease mechanism: loss of function. Inheritance: Various modes of inheritance.
Cardiomyopathy (CMYO). Also called: Cardiomyopathies. Identifiers: Orphanet 167848, MedGen C0878544, MONDO:0004994, HP:0001638. Inheritance: Various modes of inheritance.
Arrhythmogenic right ventricular dysplasia 9 (ARVD9). Also called: Arrhythmogenic Right Ventricular Dysplasia/Cardiomyopathy 9; ARRHYTHMOGENIC RIGHT VENTRICULAR DYSPLASIA, FAMILIAL, 9. Identifiers: MedGen C1836906, MONDO:0012180, OMIM 609040.

Submissions (3):

Labcorp Genetics (formerly Invitae), Labcorp
Classification: Likely benign for Arrhythmogenic right ventricular dysplasia 9. Last evaluated: 2026-01-10. Review status: criteria provided, single submitter. Criteria: Invitae Variant Classification Sherloc (09022015). Collection method: clinical testing. Allele origin: germline.

All of Us Research Program, National Institutes of Health
Classification: Likely benign for Arrhythmogenic right ventricular cardiomyopathy. Last evaluated: 2023-02-24. Review status: criteria provided, single submitter. Criteria: ACMG Guidelines, 2015. Collection method: clinical testing. Allele origin: germline. Inheritance: Autosomal dominant inheritance. Observed: 1 variant allele, 1 heterozygote.
Comment: This study involves interpretation of variants in research participants for the purpose of population health screening. Participant phenotype was not available at the time of variant classification. Additional details can be found in publication PMID: 35346344, PMCID: PMC8962531

Color Diagnostics, LLC DBA Color Health
Classification: Likely benign for Cardiomyopathy. Last evaluated: 2020-05-11. Review status: criteria provided, single submitter. Criteria: ACMG Guidelines, 2015. Collection method: clinical testing. Allele origin: germline.

NM_001005242.3(PKP2):c.663C>T (p.Tyr221=)

Gene: PKP2 (plakophilin 2; minus strand). Cytogenetic location: 12p11.21.
Variant type: single nucleotide variant.
Coding change: c.663C>T on transcript NM_001005242.3 (MANE Select); coding-DNA position 663, C replaced by T.
Protein change: p.Tyr221=; no amino-acid change (tyrosine 221 retained).
Molecular consequence: synonymous variant.
Genome position (GRCh38, 1-based): chr12:32,878,217, G>A on the plus strand (C>T on the coding strand, the complement: PKP2 is on the minus strand). VCF-style: chr12-32878217-G-A. GRCh37 (hg19) VCF-style: chr12-33031151-G-A.
Other names: c.663C>T, p.Tyr221= (NM_004572.4).
Identifiers: ClinVar variation 1171400 (VCV001171400.6), dbSNP rs767987619, ClinGen allele CA479387576.